The following is an entry in ClinVar:

ClinVar aggregate classification (germline): Likely benign (1 of 4 stars; one submission).

Allele frequency attached by ClinVar (database versions not stated): gnomAD 0.01156 and 0.01241; 1000 Genomes Project 0.01238; TOPMed 0.01299; 1000 Genomes Project 30x 0.01452.
gnomAD v4.1: 2,735 of 1,119,186 alleles (0.24%); highest among the groups gnomAD compares: African/African-American, 3.9%; 51 homozygotes.

Submission:

GeneDx
Classification: Likely benign. Last evaluated: 2018-06-19. Review status: criteria provided, single submitter. Criteria: GeneDx Variant Classification (06012015). Collection method: clinical testing. Allele origin: germline. Affected: yes.
Comment: This variant is considered likely benign or benign based on one or more of the following criteria: it is a conservative change, it occurs at a poorly conserved position in the protein, it is predicted to be benign by multiple in silico algorithms, and/or has population frequency not consistent with disease.

NM_022114.4(PRDM16):c.2940-118G>A

Gene: PRDM16 (PR/SET domain 16; plus strand). Cytogenetic location: 1p36.32.
Variant type: single nucleotide variant.
Coding change: c.2940-118G>A on transcript NM_022114.4 (MANE Select); 118 bases into the intron before coding-DNA position 2940, G replaced by A.
Molecular consequence: intron variant.
Genome position (GRCh38, 1-based): chr1:3,425,463, G>A. VCF-style: chr1-3425463-G-A. GRCh37 (hg19) VCF-style: chr1-3342027-G-A.
Other names: c.2940-118G>A (NM_199454.3).
Identifiers: ClinVar variation 679459 (VCV000679459.1), dbSNP rs7546986, ClinGen allele CA16984090.